The following is an entry in ClinVar:

NM_000465.4(BARD1):c.245G>T (p.Gly82Val)

Gene: BARD1 (BRCA1 associated RING domain 1; minus strand). Cytogenetic location: 2q35.
Variant type: single nucleotide variant.
Coding change: c.245G>T on transcript NM_000465.4 (MANE Select); coding-DNA position 245, G replaced by T.
Protein change: p.Gly82Val; replaces glycine 82 with valine.
Molecular consequence: missense variant. On other transcripts: non-coding transcript variant (1), intron variant (2).
Genome position (GRCh38, 1-based): chr2:214,792,416, C>A on the plus strand (G>T on the coding strand, the complement: BARD1 is on the minus strand). VCF-style: chr2-214792416-C-A. GRCh37 (hg19) VCF-style: chr2-215657140-C-A.
Other names: c.188G>T, p.Gly63Val (NM_001282543.2); c.245G>T, p.Gly82Val (NM_001282549.2); c.158+16996G>T (NM_001282548.2); c.215+4645G>T (NM_001282545.2); short protein forms G82V, G63V.
Identifiers: ClinVar variation 334195 (VCV000334195.25), dbSNP rs886055600, ClinGen allele CA10614212.

ClinVar aggregate classification (germline): Conflicting classifications of pathogenicity. Review status: criteria provided, conflicting classifications (1 of 4 stars). 4 submissions from 4 submitters: Uncertain significance (2); Likely benign (2). Last evaluated 2025-07-21.

Conditions:
Hereditary cancer-predisposing syndrome. Also called: Neoplastic Syndromes, Hereditary; Tumor predisposition; Hereditary neoplastic syndrome; Hereditary Cancer Syndrome. Identifiers: Orphanet 140162, MedGen C0027672, MeSH D009386, MONDO:0015356.
Familial cancer of breast. Also called: BREAST CANCER, FAMILIAL; Hereditary breast cancer; hereditary breast carcinoma. Identifiers: Orphanet 227535, MedGen C0346153, MONDO:0016419, OMIM 114480. Disease mechanism: loss of function.

Allele frequency attached by ClinVar (database versions not stated): gnomAD exomes 0.00001 and 0.00002; TOPMed 0.00001.
gnomAD v4.1: 3 of 1,610,212 alleles (0.00019%); highest among the groups gnomAD compares: East Asian, 0.0045%; no homozygotes.

Submissions (4):

Color Diagnostics, LLC DBA Color Health
Classification: Likely benign for Hereditary cancer-predisposing syndrome. Last evaluated: 2025-07-21. Review status: criteria provided, single submitter. Criteria: ACMG Guidelines, 2015. Collection method: clinical testing. Allele origin: germline.

Labcorp Genetics (formerly Invitae), Labcorp
Classification: Uncertain significance for Familial cancer of breast. Last evaluated: 2024-12-18. Review status: criteria provided, single submitter. Criteria: Invitae Variant Classification Sherloc (09022015). Collection method: clinical testing. Allele origin: germline.
Comment: This sequence change replaces glycine, which is neutral and non-polar, with valine, which is neutral and non-polar, at codon 82 of the BARD1 protein (p.Gly82Val). This variant is present in population databases (no rsID available, gnomAD 0.02%). This variant has not been reported in the literature in individuals affected with BARD1-related conditions. ClinVar contains an entry for this variant (Variation ID: 334195). An algorithm developed to predict the effect of missense changes on protein structure and function (PolyPhen-2) suggests that this variant is likely to be tolerated. Studies have shown that this missense change is associated with inconclusive levels of altered splicing (internal data). In summary, the available evidence is currently insufficient to determine the role of this variant in disease. Therefore, it has been classified as a Variant of Uncertain Significance.

Ambry Genetics
Classification: Likely benign for Hereditary cancer-predisposing syndrome. Last evaluated: 2024-02-20. Review status: criteria provided, single submitter. Criteria: Ambry Variant Classification Scheme 2023. Collection method: clinical testing. Allele origin: germline.

Baylor Genetics
Classification: Uncertain significance for Familial cancer of breast. Last evaluated: 2023-12-05. Review status: criteria provided, single submitter. Criteria: ACMG Guidelines, 2015. Collection method: clinical testing. Allele origin: unknown.